The following is an entry in ClinVar:

ClinVar aggregate classification (germline): Likely benign (1 of 4 stars; one submission).

Allele frequency attached by ClinVar (database versions not stated): gnomAD 0.01365 and 0.01449; TOPMed 0.01547; 1000 Genomes Project 0.01617; 1000 Genomes Project 30x 0.01702.
gnomAD v4.1: 3,035 of 996,458 alleles (0.3%); highest among the groups gnomAD compares: African/African-American, 4.7%; 71 homozygotes.

Submission:

GeneDx
Classification: Likely benign. Last evaluated: 2018-06-14. Review status: criteria provided, single submitter. Criteria: GeneDx Variant Classification (06012015). Collection method: clinical testing. Allele origin: germline. Affected: yes.
Comment: This variant is considered likely benign or benign based on one or more of the following criteria: it is a conservative change, it occurs at a poorly conserved position in the protein, it is predicted to be benign by multiple in silico algorithms, and/or has population frequency not consistent with disease.

NM_001330078.2(NRXN1):c.3365-110669C>G

Gene: NRXN1 (neurexin 1; minus strand). Cytogenetic location: 2p16.3.
Variant type: single nucleotide variant.
Coding change: c.3365-110669C>G on transcript NM_001330078.2 (MANE Select); 110669 bases into the intron before coding-DNA position 3365, C replaced by G.
Molecular consequence: intron variant. On other transcripts: 5 prime UTR variant (4).
Genome position (GRCh38, 1-based): chr2:50,347,639, G>C on the plus strand (C>G on the coding strand, the complement: NRXN1 is on the minus strand). VCF-style: chr2-50347639-G-C. GRCh37 (hg19) VCF-style: chr2-50574777-G-C.
Other names: c.-690C>G (NM_001330091.2, NM_001330092.2, NM_001330097.2 and 1 more transcripts); c.3254-110669C>G (NM_001330096.2, NM_001330087.2); c.3299-110669C>G (NM_001330083.2, NM_001330084.2); c.3284-110669C>G (NM_001330088.2); c.3362-110669C>G (NM_001330093.2); c.3353-110669C>G (NM_001330094.2); c.3314-110669C>G (NM_001330095.2); c.3341-110669C>G (NM_001330082.2, NM_001330077.2); and 3 more.
Identifiers: ClinVar variation 673209 (VCV000673209.1), dbSNP rs115617556, ClinGen allele CA47914391.